The following is an entry in ClinVar:

ClinVar aggregate classification (germline): Uncertain significance. Review status: criteria provided, multiple submitters, no conflicts (2 of 4 stars). 2 submissions from 2 submitters: Uncertain significance (2). Last evaluated 2024-05-01.

Conditions:
Inborn genetic diseases. Identifiers: MedGen C0950123, MeSH D030342.

Allele frequency attached by ClinVar (database versions not stated): gnomAD 0.00001.
gnomAD v4.1: 51 of 1,613,258 alleles (0.0032%); highest among the groups gnomAD compares: East Asian, 0.013%; no homozygotes.

Submissions (2):

Labcorp Genetics (formerly Invitae), Labcorp
Classification: Uncertain significance. Last evaluated: 2024-05-01. Review status: criteria provided, single submitter. Criteria: Invitae Variant Classification Sherloc (09022015). Collection method: clinical testing. Allele origin: germline.
Comment: This sequence change replaces alanine, which is neutral and non-polar, with threonine, which is neutral and polar, at codon 28 of the CNGA3 protein (p.Ala28Thr). This variant is present in population databases (rs762107596, gnomAD 0.03%). This variant has not been reported in the literature in individuals affected with CNGA3-related conditions. ClinVar contains an entry for this variant (Variation ID: 2049083). Advanced modeling of protein sequence and biophysical properties (such as structural, functional, and spatial information, amino acid conservation, physicochemical variation, residue mobility, and thermodynamic stability) performed at Invitae indicates that this missense variant is not expected to disrupt CNGA3 protein function with a negative predictive value of 95%. In summary, the available evidence is currently insufficient to determine the role of this variant in disease. Therefore, it has been classified as a Variant of Uncertain Significance.

Ambry Genetics
Classification: Uncertain significance for Inborn genetic diseases. Last evaluated: 2023-03-06. Review status: criteria provided, single submitter. Criteria: Ambry Variant Classification Scheme 2023. Collection method: clinical testing. Allele origin: germline.

NM_001298.3(CNGA3):c.82G>A (p.Ala28Thr)

Gene: CNGA3 (cyclic nucleotide gated channel subunit alpha 3; plus strand). Cytogenetic location: 2q11.2.
Variant type: single nucleotide variant.
Coding change: c.82G>A on transcript NM_001298.3 (MANE Select); coding-DNA position 82, G replaced by A.
Protein change: p.Ala28Thr; replaces alanine 28 with threonine.
Molecular consequence: missense variant.
Genome position (GRCh38, 1-based): chr2:98,370,057, G>A. VCF-style: chr2-98370057-G-A. GRCh37 (hg19) VCF-style: chr2-98986520-G-A.
Other names: c.82G>A (NM_001298.2); c.82G>A, p.Ala28Thr (NM_001079878.2); short protein forms A28T.
Identifiers: ClinVar variation 2049083 (VCV002049083.5), dbSNP rs762107596, ClinGen allele CA1793552.